The following is an entry in ClinVar:

NM_003119.4(SPG7):c.1563C>G (p.Ile521Met)

Gene: SPG7 (SPG7 matrix AAA peptidase subunit, paraplegin; plus strand). Cytogenetic location: 16q24.3.
Variant type: single nucleotide variant.
Coding change: c.1563C>G on transcript NM_003119.4 (MANE Select); coding-DNA position 1563, C replaced by G.
Protein change: p.Ile521Met; replaces isoleucine 521 with methionine.
Molecular consequence: missense variant.
Genome position (GRCh38, 1-based): chr16:89,548,013, C>G. VCF-style: chr16-89548013-C-G. GRCh37 (hg19) VCF-style: chr16-89614421-C-G.
Other names: c.1563C>G, p.Ile521Met (NM_001363850.1); short protein forms I521M.
Identifiers: ClinVar variation 2107622 (VCV002107622.5), dbSNP rs202123044, ClinGen allele CA8244266.

ClinVar aggregate classification (germline): Uncertain significance. Review status: criteria provided, multiple submitters, no conflicts (2 of 4 stars). 2 submissions from 2 submitters: Uncertain significance (2). Last evaluated 2023-04-15.

Conditions:
Hereditary spastic paraplegia 7 (SPG7). Also called: Spastic paraplegia 7; Hereditary spastic paraplegia Paraplegin type; SPG7-related neurologic disorder; SPASTIC PARAPLEGIA 7, AUTOSOMAL RECESSIVE, WITH OR WITHOUT CEREBELLAR ATAXIA; Autosomal recessive spastic paraplegia type 7. Identifiers: Orphanet 99013, MedGen C1846564, MONDO:0011803, OMIM 607259.
Inborn genetic diseases. Identifiers: MedGen C0950123, MeSH D030342.

Allele frequency attached by ClinVar (database versions not stated): ExAC 0.00002.

Submissions (2):

Labcorp Genetics (formerly Invitae), Labcorp
Classification: Uncertain significance for Hereditary spastic paraplegia 7. Last evaluated: 2023-04-15. Review status: criteria provided, single submitter. Criteria: Invitae Variant Classification Sherloc (09022015). Collection method: clinical testing. Allele origin: germline.
Comment: In summary, the available evidence is currently insufficient to determine the role of this variant in disease. Therefore, it has been classified as a Variant of Uncertain Significance. Advanced modeling of protein sequence and biophysical properties (such as structural, functional, and spatial information, amino acid conservation, physicochemical variation, residue mobility, and thermodynamic stability) performed at Invitae indicates that this missense variant is expected to disrupt SPG7 protein function. ClinVar contains an entry for this variant (Variation ID: 2107622). This variant has not been reported in the literature in individuals affected with SPG7-related conditions. This variant is present in population databases (rs202123044, gnomAD 0.002%). This sequence change replaces isoleucine, which is neutral and non-polar, with methionine, which is neutral and non-polar, at codon 521 of the SPG7 protein (p.Ile521Met).

Ambry Genetics
Classification: Uncertain significance for Inborn genetic diseases. Last evaluated: 2021-07-15. Review status: criteria provided, single submitter. Criteria: Ambry Variant Classification Scheme 2023. Collection method: clinical testing. Allele origin: germline.